The following is an entry in ClinVar:

NM_004168.4(SDHA):c.1261-1G>A

Gene: SDHA (succinate dehydrogenase complex flavoprotein subunit A; plus strand). Cytogenetic location: 5p15.33.
Variant type: single nucleotide variant.
Coding change: c.1261-1G>A on transcript NM_004168.4 (MANE Select); the canonical splice acceptor site of the intron before coding-DNA position 1261, G replaced by A.
Molecular consequence: splice acceptor variant.
Genome position (GRCh38, 1-based): chr5:236,427, G>A. VCF-style: chr5-236427-G-A. GRCh37 (hg19) VCF-style: chr5-236542-G-A.
Other names: c.1261-1G>A (NM_001330758.2, NM_004168.2); c.1117-1G>A (NM_001294332.2).
Identifiers: ClinVar variation 937032 (VCV000937032.10), dbSNP rs1735779936, ClinGen allele CA359013796.

ClinVar aggregate classification (germline): Likely pathogenic. Review status: criteria provided, multiple submitters, no conflicts (2 of 4 stars). 3 submissions from 3 submitters: Likely pathogenic (3). Last evaluated 2025-07-29.

Conditions:
Pheochromocytoma/paraganglioma syndrome 5. Also called: Paragangliomas 5; SDHA-Related Hereditary Paraganglioma-Pheochromocytoma Syndrome. Identifiers: Orphanet 29072, MedGen C3279992, MONDO:0013602, OMIM 614165.
Mitochondrial complex II deficiency, nuclear type 1. Also called: SUCCINATE CoQ REDUCTASE DEFICIENCY. Identifiers: Orphanet 3208, MedGen C5700310, MONDO:0100294, OMIM 252011.
Hereditary cancer-predisposing syndrome. Also called: Hereditary Cancer Syndrome; Neoplastic Syndromes, Hereditary; Tumor predisposition; Hereditary neoplastic syndrome. Identifiers: Orphanet 140162, MedGen C0027672, MeSH D009386, MONDO:0015356.

Submissions (3):

Department of Human Genetics, Hannover Medical School
Classification: Likely pathogenic for Pheochromocytoma/paraganglioma syndrome 5. Last evaluated: 2025-07-29. Review status: criteria provided, single submitter. Criteria: ACMG Guidelines, 2015. Collection method: clinical testing. Allele origin: germline. Affected: yes.
Comment: PVS1, PM2_Supporting

Ambry Genetics
Classification: Likely pathogenic for Hereditary cancer-predisposing syndrome. Last evaluated: 2024-12-20. Review status: criteria provided, single submitter. Criteria: Ambry Variant Classification Scheme 2023. Collection method: clinical testing. Allele origin: germline.
Comment: The c.1261-1G>A intronic variant results from a G to A substitution one nucleotide upstream from coding exon 10 of the SDHA gene. This nucleotide position is highly conserved in available vertebrate species. In silico splice site analysis predicts that this alteration will weaken the native splice acceptor site and will result in the creation or strengthening of a novel splice acceptor site; however, direct evidence is insufficient at this time (Ambry internal data). Alterations that disrupt the canonical splice site are expected to cause aberrant splicing, resulting in an abnormal protein or a transcript that is subject to nonsense-mediated mRNA decay. As such, this alteration is classified as likely pathogenic.

Labcorp Genetics (formerly Invitae), Labcorp
Classification: Likely pathogenic for Pheochromocytoma/paraganglioma syndrome 5; Mitochondrial complex II deficiency, nuclear type 1. Last evaluated: 2024-03-04. Review status: criteria provided, single submitter. Criteria: Invitae Variant Classification Sherloc (09022015). Collection method: clinical testing. Allele origin: germline.
Comment: This sequence change affects an acceptor splice site in intron 9 of the SDHA gene. It is expected to disrupt RNA splicing. Variants that disrupt the donor or acceptor splice site typically lead to a loss of protein function (PMID: 16199547), and loss-of-function variants in SDHA are known to be pathogenic (PMID: 22974104, 24781757). This variant is not present in population databases (gnomAD no frequency). This variant has not been reported in the literature in individuals affected with SDHA-related conditions. ClinVar contains an entry for this variant (Variation ID: 937032). Algorithms developed to predict the effect of sequence changes on RNA splicing suggest that this variant may disrupt the consensus splice site. In summary, the currently available evidence indicates that the variant is pathogenic, but additional data are needed to prove that conclusively. Therefore, this variant has been classified as Likely Pathogenic.

Literature cited by the submitters: PubMed 16199547 (cited by Labcorp Genetics (formerly Invitae), Labcorp); PubMed 22974104 (cited by Labcorp Genetics (formerly Invitae), Labcorp); PubMed 24781757 (cited by Labcorp Genetics (formerly Invitae), Labcorp).